The following is an entry in ClinVar:

NM_003745.2(SOCS1):c.368C>G (p.Pro123Arg)

Gene: SOCS1 (suppressor of cytokine signaling 1; minus strand). Cytogenetic location: 16p13.13.
Variant type: single nucleotide variant.
Coding change: c.368C>G on transcript NM_003745.2 (MANE Select); coding-DNA position 368, C replaced by G.
Protein change: p.Pro123Arg; replaces proline 123 with arginine.
Molecular consequence: missense variant.
Genome position (GRCh38, 1-based): chr16:11,255,111, G>C on the plus strand (C>G on the coding strand, the complement: SOCS1 is on the minus strand). VCF-style: chr16-11255111-G-C. GRCh37 (hg19) VCF-style: chr16-11348968-G-C.
Other names: short protein forms P123R.
Identifiers: ClinVar variation 977212 (VCV000977212.4), dbSNP rs1244284678, ClinGen allele CA394740197.

ClinVar aggregate classification (germline): Pathogenic. Review status: criteria provided, single submitter (1 of 4 stars). 3 submissions from 3 submitters: Pathogenic (1). 2 of the submissions do not count toward it. Last evaluated 2025-04-23.

Conditions:
Autoimmune thrombocytopenic purpura (ITP). Also called: IMMUNE THROMBOCYTOPENIA. Identifiers: Orphanet 3002, MedGen C0398650, MONDO:0008558, OMIM 188030.
Autoinflammatory syndrome with immunodeficiency. Also called: AUTOINFLAMMATORY SYNDROME, FAMILIAL, WITH OR WITHOUT IMMUNODEFICIENCY. Identifiers: MedGen C5543547, MONDO:0800130, OMIM 619375.
AUTOINFLAMMATORY SYNDROME, FAMILIAL, WITHOUT IMMUNODEFICIENCY.

Submissions (3):

Victorian Clinical Genetics Services, Murdoch Childrens Research Institute
Classification: Pathogenic for Autoinflammatory syndrome with immunodeficiency. Last evaluated: 2025-04-23. Review status: criteria provided, single submitter. Criteria: ACMG Guidelines, 2015. Collection method: clinical testing. Allele origin: germline. Affected: yes.
Comment: This variant is classified as Pathogenic. Evidence in support of pathogenic classification: Variant is absent from gnomAD (v2, v3 and v4); This variant has limited previous evidence of pathogenicity in an unrelated individual(s). This variant has been classified as likely pathogenic, and observed in a single family with immune thrombocytopenia (ClinVar, PMID: 33087723); This variant has strong functional evidence supporting abnormal protein function. Patient-derived lymphocytes exhibited increased STAT activation in vitro, whereas transfected HEK293 cells failed to suppress interferon expression (PMID: 33087723); Missense variant predicted to be damaging by in silico tool(s) or highly conserved with a major amino acid change; Additional information: Variant is predicted to result in a missense amino acid change from proline to arginine; This variant is heterozygous; This gene is associated with autosomal dominant disease; Alternative amino acid change(s) at the same position are present in gnomAD (Highest allele count: v4: 3 heterozygote(s), 0 homozygote(s)) ; Segregation evidence for this variant is inconclusive. This variant has segregated in the affected mother (PMID: 33087723); Another variant type variant comparable to the one identified in this case has inconclusive previous evidence for pathogenicity. An alternative change to histidine has been observed in an individual with common variable immunodeficiency (CVID) and granulomatous–lymphocytic interstitial lung disease (GLILD), and classified as likely pathogenic. This individual also had an additional missense variant in cis, which was classified as a VUS (PMID: 39005503); Variant is located in the annotated SH2 domain (DECIPHER); Loss of function is a known mechanism of disease in this gene and is associated with autoinflammatory syndrome, familial, with or without immunodeficiency (MIM#619375); The condition associated with this gene has incomplete penetrance (OMIM). Carriers were described to be clinically asymptomatic, but immunological studies showed significant changes to their immune cell profiles in keeping with symptomatic relatives (PMID: 33087723); Variants in this gene are known to have variable expressivity (OMIM). Intrafamilial variability has been reported (PMIDs: 33087723, 39005503).

OMIM
Classification: Pathogenic for AUTOINFLAMMATORY SYNDROME, FAMILIAL, WITHOUT IMMUNODEFICIENCY. Last evaluated: 2021-06-17. Review status: no assertion criteria provided. Collection method: literature only. Allele origin: germline. Not counted in ClinVar's aggregate classification.

Immunogenetics of Pediatric Autoimmune Diseases, Institut Imagine
Classification: Likely pathogenic for Autoimmune thrombocytopenic purpura. Last evaluated: 2020-01-01. Review status: no assertion criteria provided. Collection method: research. Allele origin: maternal. Affected: yes. Observed: 2 variant alleles. Not counted in ClinVar's aggregate classification.

Literature cited by the submitters: PubMed 39005503 (cited by Victorian Clinical Genetics Services, Murdoch Childrens Research Institute); PubMed 33087723 (cited by Victorian Clinical Genetics Services, Murdoch Childrens Research Institute and OMIM).